The following is an entry in ClinVar:

ClinVar aggregate classification (germline): Uncertain significance (1 of 4 stars; one submission).

Submission:

Labcorp Genetics (formerly Invitae), Labcorp
Classification: Uncertain significance. Last evaluated: 2022-04-12. Review status: criteria provided, single submitter. Criteria: Invitae Variant Classification Sherloc (09022015). Collection method: clinical testing. Allele origin: germline.
Comment: In summary, the available evidence is currently insufficient to determine the role of this variant in disease. Therefore, it has been classified as a Variant of Uncertain Significance. Algorithms developed to predict the effect of missense changes on protein structure and function are either unavailable or do not agree on the potential impact of this missense change (SIFT: "Deleterious"; PolyPhen-2: "Benign"; Align-GVGD: "Class C0"). This variant has not been reported in the literature in individuals affected with MCM3AP-related conditions. This variant is not present in population databases (gnomAD no frequency). This sequence change replaces arginine, which is basic and polar, with leucine, which is neutral and non-polar, at codon 1596 of the MCM3AP protein (p.Arg1596Leu).

NM_003906.5(MCM3AP):c.4787G>T (p.Arg1596Leu)

Genes: MCM3AP (minichromosome maintenance complex component 3 associated protein; minus strand), MCM3AP-AS1 (MCM3AP antisense RNA 1; plus strand). Cytogenetic location: 21q22.3.
Variant type: single nucleotide variant.
Coding change: c.4787G>T on transcript NM_003906.5 (MANE Select); coding-DNA position 4787, G replaced by T.
Protein change: p.Arg1596Leu; replaces arginine 1596 with leucine.
Molecular consequence: missense variant.
Genome position (GRCh38, 1-based): chr21:46,245,058, C>A on the plus strand (G>T on the coding strand, the complement: MCM3AP is on the minus strand). VCF-style: chr21-46245058-C-A. GRCh37 (hg19) VCF-style: chr21-47664972-C-A.
Other names: short protein forms R1596L.
Identifiers: ClinVar variation 2124269 (VCV002124269.4), dbSNP rs541319271, ClinGen allele CA410543665.